The following is an entry in ClinVar:

NM_001184.4(ATR):c.1358_1359del (p.His453fs)

Gene: ATR (ATR checkpoint kinase; minus strand). Cytogenetic location: 3q23.
Variant type: Deletion.
Coding change: c.1358_1359del on transcript NM_001184.4 (MANE Select); coding-DNA positions 1358 to 1359, 2 bases deleted (AT; older notation c.1358_1359delAT).
Protein change: p.His453fs; shifts the reading frame from histidine 453.
Molecular consequence: frameshift variant. On other transcripts: intron variant (1).
Genome position (GRCh38, 1-based): chr3:142,560,445-142,560,446, AT deleted on the plus strand (AT on the coding strand, the reverse complement: ATR is on the minus strand). VCF-style (leftmost placement, unchanged base first): chr3-142560444-CAT-C. GRCh37 (hg19) VCF-style: chr3-142279286-CAT-C.
Other names: c.1349+797_1349+798del (NM_001354579.2); short protein forms H453fs.
Identifiers: ClinVar variation 291086 (VCV000291086.12), dbSNP rs886044646, ClinGen allele CA10607012.

ClinVar aggregate classification (germline): Conflicting classifications of pathogenicity. Review status: criteria provided, conflicting classifications (1 of 4 stars). 2 submissions from 2 submitters: Pathogenic (1); Uncertain significance (1). Last evaluated 2025-12-18.

Allele frequency attached by ClinVar (database versions not stated): gnomAD exomes below 0.00001.

Submissions (2):

Labcorp Genetics (formerly Invitae), Labcorp
Classification: Pathogenic. Last evaluated: 2025-12-18. Review status: criteria provided, single submitter. Criteria: Invitae Variant Classification Sherloc (09022015). Collection method: clinical testing. Allele origin: germline.
Comment: This sequence change creates a premature translational stop signal (p.His453Argfs*18) in the ATR gene. It is expected to result in an absent or disrupted protein product. Loss-of-function variants in ATR are known to be pathogenic (PMID: 21228398, 23144622). This variant is not present in population databases (gnomAD no frequency). This variant has not been reported in the literature in individuals affected with ATR-related conditions. ClinVar contains an entry for this variant (Variation ID: 291086). For these reasons, this variant has been classified as Pathogenic.

Eurofins Ntd Llc (ga)
Classification: Uncertain significance. Last evaluated: 2016-09-05. Review status: criteria provided, single submitter. Criteria: EGL Classification Definitions 2015. Collection method: clinical testing. Allele origin: germline. Observed: 1 variant allele, 1 heterozygote.

Literature cited by the submitters: PubMed 21228398 (cited by Labcorp Genetics (formerly Invitae), Labcorp); PubMed 23144622 (cited by Labcorp Genetics (formerly Invitae), Labcorp).